The following is an entry in ClinVar:

ClinVar aggregate classification (germline): Uncertain significance (1 of 4 stars; one submission).

Conditions:
Familial cancer of breast. Also called: BREAST CANCER, FAMILIAL; hereditary breast carcinoma; Hereditary breast cancer. Identifiers: Orphanet 227535, MedGen C0346153, MONDO:0016419, OMIM 114480. Disease mechanism: loss of function.

Submission:

Labcorp Genetics (formerly Invitae), Labcorp
Classification: Uncertain significance for Familial cancer of breast. Last evaluated: 2017-03-06. Review status: criteria provided, single submitter. Criteria: Invitae Variant Classification Sherloc (09022015). Collection method: clinical testing. Allele origin: germline.
Comment: In summary, this variant is a novel missense change with uncertain impact on protein function. It has been classified as a Variant of Uncertain Significance. Algorithms developed to predict the effect of sequence changes on RNA splicing suggest that this variant may alter RNA splicing, but this prediction has not been confirmed by published transcriptional studies. Algorithms developed to predict the effect of missense changes on protein structure and function (SIFT, PolyPhen-2, Align-GVGD) all suggest that this variant is likely to be disruptive, but these predictions have not been confirmed by published functional studies. This variant is not present in population databases (ExAC no frequency) and has not been reported in the literature in individuals with a CHEK2-related disease. This sequence change replaces tryptophan with arginine at codon 93 of the CHEK2 protein (p.Trp93Arg). The tryptophan residue is highly conserved and there is a moderate physicochemical difference between tryptophan and arginine.

NM_007194.4(CHEK2):c.277T>A (p.Trp93Arg)

Gene: CHEK2 (checkpoint kinase 2; minus strand). Cytogenetic location: 22q12.1.
Variant type: single nucleotide variant.
Coding change: c.277T>A on transcript NM_007194.4 (MANE Select); coding-DNA position 277, T replaced by A.
Protein change: p.Trp93Arg; replaces tryptophan 93 with arginine.
Molecular consequence: missense variant.
Genome position (GRCh38, 1-based): chr22:28,734,445, A>T on the plus strand (T>A on the coding strand, the complement: CHEK2 is on the minus strand). VCF-style: chr22-28734445-A-T. GRCh37 (hg19) VCF-style: chr22-29130433-A-T.
Other names: c.277T>A, p.Trp93Arg (NM_001005735.3, NM_001349956.3, NM_145862.3); c.-501T>A (NM_001257387.3); short protein forms W93R.
Identifiers: ClinVar variation 460821 (VCV000460821.9), dbSNP rs730881697, ClinGen allele CA411090411.